The following is an entry in ClinVar:

ClinVar aggregate classification (germline): Benign (1 of 4 stars; one submission).

Conditions:
Quebec platelet disorder (QPD). Also called: BLEEDING DISORDER, PLATELET-TYPE, 5; FACTOR V QUEBEC. Identifiers: Orphanet 220436, MedGen C1866423, MONDO:0011136, OMIM 601709.

Allele frequency attached by ClinVar (database versions not stated): gnomAD 0.00027 and below 0.00001; 1000 Genomes Project 0.00180; gnomAD exomes 0.00088; 1000 Genomes Project 30x 0.00156; TOPMed 0.00004; ExAC 0.00103.
gnomAD v4.1: 681 of 1,611,842 alleles (0.042%); highest among the groups gnomAD compares: South Asian, 0.72%; 7 homozygotes.

Submission:

Illumina Laboratory Services, Illumina
Classification: Benign for Quebec platelet disorder. Last evaluated: 2018-01-12. Review status: criteria provided, single submitter. Criteria: ICSL Variant Classification Criteria 13 December 2019. Collection method: clinical testing. Allele origin: germline.
Comment: This variant was observed in the ICSL laboratory as part of a predisposition screen in an ostensibly healthy population. It had not been previously curated by ICSL or reported in the Human Gene Mutation Database (HGMD: prior to June 1st, 2018), and was therefore a candidate for classification through an automated scoring system. Utilizing variant allele frequency, disease prevalence and penetrance estimates, and inheritance mode, an automated score was calculated to assess if this variant is too frequent to cause the disease. Based on the score and internal cut-off values, a variant classified as benign is not then subjected to further curation. The score for this variant resulted in a classification of benign for this disease.

NM_002658.6(PLAU):c.830-13T>C

Genes: C10orf55 (chromosome 10 putative open reading frame 55; minus strand), PLAU (plasminogen activator, urokinase; plus strand). Cytogenetic location: 10q22.2.
Variant type: single nucleotide variant.
Coding change: c.830-13T>C on transcript NM_002658.6 (MANE Select); 13 bases into the intron before coding-DNA position 830, T replaced by C.
Molecular consequence: intron variant.
Genome position (GRCh38, 1-based): chr10:73,914,763, T>C. VCF-style: chr10-73914763-T-C. GRCh37 (hg19) VCF-style: chr10-75674521-T-C.
Other names: c.779-13T>C (NM_001145031.3); c.572-13T>C (NM_001319191.2).
Identifiers: ClinVar variation 879209 (VCV000879209.4), dbSNP rs376665535, ClinGen allele CA5562561.